The following is an entry in ClinVar:

NM_001844.5(COL2A1):c.1869del (p.Gly624fs)

Gene: COL2A1 (collagen type II alpha 1 chain; minus strand). Cytogenetic location: 12q13.11.
Variant type: Deletion.
Coding change: c.1869del on transcript NM_001844.5 (MANE Select); coding-DNA position 1869, one base deleted (T; older notation c.1869delT).
Protein change: p.Gly624fs; shifts the reading frame from glycine 624.
Molecular consequence: frameshift variant.
Genome position (GRCh38, 1-based): chr12:47,984,564, A deleted on the plus strand (T on the coding strand, the reverse complement: COL2A1 is on the minus strand). VCF-style (leftmost placement, unchanged base first): chr12-47984563-CA-C. GRCh37 (hg19) VCF-style: chr12-48378346-CA-C.
Other names: c.1662del, p.Gly555fs (NM_033150.3); short protein forms G624fs, G555fs.
Identifiers: ClinVar variation 2703977 (VCV002703977.3), dbSNP rs2540143186, ClinGen allele CA2697559216.

ClinVar aggregate classification (germline): Pathogenic (1 of 4 stars; one submission).

Submission:

Labcorp Genetics (formerly Invitae), Labcorp
Classification: Pathogenic. Last evaluated: 2023-12-18. Review status: criteria provided, single submitter. Criteria: Invitae Variant Classification Sherloc (09022015). Collection method: clinical testing. Allele origin: germline.
Comment: This sequence change creates a premature translational stop signal (p.Gly624Valfs*5) in the COL2A1 gene. It is expected to result in an absent or disrupted protein product. Loss-of-function variants in COL2A1 are known to be pathogenic (PMID: 20179744). This variant is not present in population databases (gnomAD no frequency). This variant has not been reported in the literature in individuals affected with COL2A1-related conditions. For these reasons, this variant has been classified as Pathogenic.

Literature cited by the submitters: PubMed 20179744.